The following is an entry in ClinVar:

NM_025114.4(CEP290):c.6805A>G (p.Ile2269Val)

Gene: CEP290 (centrosomal protein 290; minus strand). Cytogenetic location: 12q21.32.
Variant type: single nucleotide variant.
Coding change: c.6805A>G on transcript NM_025114.4 (MANE Select); coding-DNA position 6805, A replaced by G.
Protein change: p.Ile2269Val; replaces isoleucine 2269 with valine.
Molecular consequence: missense variant.
Genome position (GRCh38, 1-based): chr12:88,058,861, T>C on the plus strand (A>G on the coding strand, the complement: CEP290 is on the minus strand). VCF-style: chr12-88058861-T-C. GRCh37 (hg19) VCF-style: chr12-88452638-T-C.
Other names: c.6805A>G (NM_025114.3); short protein forms I2269V.
Identifiers: ClinVar variation 2191733 (VCV002191733.4), dbSNP rs377711472, ClinGen allele CA6711430.

ClinVar aggregate classification (germline): Uncertain significance. Review status: criteria provided, multiple submitters, no conflicts (2 of 4 stars). 2 submissions from 2 submitters: Uncertain significance (2). Last evaluated 2024-12-15.

Conditions:
CEP290-related disorder. Also called: CEP290-related condition; CEP290-related disorders. Identifiers: MedGen CN239314.
Nephronophthisis. Also called: Juvenile Nephronophthisis. Identifiers: Orphanet 655, MedGen C0687120, MONDO:0019005, HP:0000090.
Meckel-Gruber syndrome. Also called: DYSENCEPHALIA SPLANCHNOCYSTICA; GRUBER SYNDROME; Dysencephalia splachnocystica. Identifiers: Orphanet 564, MedGen C0265215, MONDO:0018921.
Joubert syndrome. Also called: JOUBERT-BOLTSHAUSER SYNDROME; Familial aplasia of the vermis. Identifiers: Orphanet 475, MedGen C5979921, MONDO:0018772.

Allele frequency attached by ClinVar (database versions not stated): gnomAD exomes below 0.00001; ExAC 0.00001; gnomAD 0.00002; TOPMed 0.00003; ESP Exome Variant Server 0.00008.
gnomAD v4.1: 8 of 1,613,592 alleles (0.0005%); highest among the groups gnomAD compares: African/African-American, 0.008%; no homozygotes.

Submissions (2):

Labcorp Genetics (formerly Invitae), Labcorp
Classification: Uncertain significance for Joubert syndrome; Meckel-Gruber syndrome; Nephronophthisis. Last evaluated: 2024-12-15. Review status: criteria provided, single submitter. Criteria: Invitae Variant Classification Sherloc (09022015). Collection method: clinical testing. Allele origin: germline.
Comment: This sequence change replaces isoleucine, which is neutral and non-polar, with valine, which is neutral and non-polar, at codon 2269 of the CEP290 protein (p.Ile2269Val). This variant is present in population databases (rs377711472, gnomAD 0.007%). This variant has not been reported in the literature in individuals affected with CEP290-related conditions. ClinVar contains an entry for this variant (Variation ID: 2191733). Invitae Evidence Modeling of protein sequence and biophysical properties (such as structural, functional, and spatial information, amino acid conservation, physicochemical variation, residue mobility, and thermodynamic stability) indicates that this missense variant is not expected to disrupt CEP290 protein function with a negative predictive value of 80%. In summary, the available evidence is currently insufficient to determine the role of this variant in disease. Therefore, it has been classified as a Variant of Uncertain Significance.

PreventionGenetics, part of Exact Sciences
Classification: Uncertain significance for CEP290-related condition. Last evaluated: 2024-12-04. Review status: criteria provided, single submitter. Criteria: ACMG Guidelines, 2015. Collection method: clinical testing. Allele origin: germline.
Comment: The CEP290 c.6805A>G variant is predicted to result in the amino acid substitution p.Ile2269Val. To our knowledge, this variant has not been reported in the literature. This variant is reported in 0.0065% of alleles in individuals of African descent in gnomAD. At this time, the clinical significance of this variant is uncertain due to the absence of conclusive functional and genetic evidence.